The following is an entry in ClinVar:

ClinVar aggregate classification (germline): Uncertain significance (1 of 4 stars; one submission).

Allele frequency attached by ClinVar (database versions not stated): gnomAD exomes below 0.00001; gnomAD 0.00001; TOPMed 0.00002.
gnomAD v4.1: 5 of 1,614,064 alleles (0.00031%); highest among the groups gnomAD compares: African/African-American, 0.0027%; no homozygotes.

Submission:

GeneDx
Classification: Uncertain significance. Last evaluated: 2019-09-03. Review status: criteria provided, single submitter. Criteria: GeneDx Variant Classification Process June 2021. Collection method: clinical testing. Allele origin: germline. Affected: yes.
Comment: Not observed at a significant frequency in large population cohorts (Lek et al., 2016); In silico analysis, which includes protein predictors and evolutionary conservation, supports a deleterious effect; Has not been previously published as pathogenic or benign to our knowledge

NM_001376.5(DYNC1H1):c.11114G>A (p.Arg3705His)

Gene: DYNC1H1 (dynein cytoplasmic 1 heavy chain 1; plus strand). Cytogenetic location: 14q32.31.
Variant type: single nucleotide variant.
Coding change: c.11114G>A on transcript NM_001376.5 (MANE Select); coding-DNA position 11114, G replaced by A.
Protein change: p.Arg3705His; replaces arginine 3705 with histidine.
Molecular consequence: missense variant.
Genome position (GRCh38, 1-based): chr14:102,038,756, G>A. VCF-style: chr14-102038756-G-A. GRCh37 (hg19) VCF-style: chr14-102505093-G-A.
Other names: short protein forms R3705H.
Identifiers: ClinVar variation 1223670 (VCV001223670.3), dbSNP rs977079015, ClinGen allele CA266973963.
Genomic context (GRCh38, chr14:102,038,756, plus strand): 5'-AGGTCGAGTTCCCACCAGATCTCTGTTCCCGGGTTACTTTTGTAAACTTCACAGTTACCC[G>A]TAGCAGTTTACAAAGCCAGTGTCTAAATGAAGTACTTAAAGCAGAAAGACCTGATGTGGA-3'
Protein context (NP_001367.2, residues 3695-3715): RVTFVNFTVT[Arg3705His]SSLQSQCLNE